The following is an entry in ClinVar:

ClinVar aggregate classification (germline): Likely benign. Review status: criteria provided, multiple submitters, no conflicts (2 of 4 stars). 2 submissions from 2 submitters: Likely benign (2). Last evaluated 2025-02-01.

gnomAD v4.1: 10,851 of 393,443 alleles (2.8%); highest among the groups gnomAD compares: Non-Finnish European, 3.5%; no homozygotes.

Submissions (2):

CeGaT Center for Human Genetics Tuebingen
Classification: Likely benign. Last evaluated: 2025-02-01. Review status: criteria provided, single submitter. Criteria: CeGaT Center For Human Genetics Tuebingen Variant Classification Criteria Version 2. Collection method: clinical testing. Allele origin: germline. Affected: yes. Observed: 1 variant allele.
Comment: USP9Y: BP4, BP7

Blueprint Genetics
Classification: Likely benign. Last evaluated: 2024-11-27. Review status: criteria provided, single submitter. Criteria: ACMG Guidelines, 2015. Collection method: clinical testing. Allele origin: germline.

NM_004654.4(USP9Y):c.3636G>A (p.Glu1212=)

Gene: USP9Y (ubiquitin specific peptidase 9 Y-linked; plus strand). Cytogenetic location: Yq11.221.
Variant type: single nucleotide variant.
Coding change: c.3636G>A on transcript NM_004654.4 (MANE Select); coding-DNA position 3636, G replaced by A.
Protein change: p.Glu1212=; no amino-acid change (glutamic acid 1212 retained).
Molecular consequence: synonymous variant.
Genome position (GRCh38, 1-based): chrY:12,790,481, G>A. VCF-style: chrY-12790481-G-A. GRCh37 (hg19) VCF-style: chrY-14902414-G-A.
Identifiers: ClinVar variation 3770708 (VCV003770708.14).